The following is an entry in ClinVar:

ClinVar aggregate classification (germline): Uncertain significance. Review status: criteria provided, multiple submitters, no conflicts (2 of 4 stars). 2 submissions from 2 submitters: Uncertain significance (2). Last evaluated 2024-06-25.

Conditions:
Hereditary cancer-predisposing syndrome. Also called: Neoplastic Syndromes, Hereditary; Hereditary neoplastic syndrome; Hereditary Cancer Syndrome; Tumor predisposition. Identifiers: Orphanet 140162, MedGen C0027672, MeSH D009386, MONDO:0015356.
Hereditary diffuse gastric adenocarcinoma (HDGC). Also called: DIFFUSE GASTRIC AND LOBULAR BREAST CANCER SYNDROME. Identifiers: Orphanet 26106, MedGen C1708349, MONDO:0007648, OMIM 137215.

Submissions (2):

Ambry Genetics
Classification: Uncertain significance for Hereditary cancer-predisposing syndrome. Last evaluated: 2024-06-25. Review status: criteria provided, single submitter. Criteria: Ambry Variant Classification Scheme 2023. Collection method: clinical testing. Allele origin: germline.
Comment: The p.L769F variant (also known as c.2307G>C), located in coding exon 15 of the CDH1 gene, results from a G to C substitution at nucleotide position 2307. The leucine at codon 769 is replaced by phenylalanine, an amino acid with highly similar properties. This amino acid position is conserved. In addition, the in silico prediction for this alteration is inconclusive. Based on the available evidence, the clinical significance of this variant remains unclear.

Labcorp Genetics (formerly Invitae), Labcorp
Classification: Uncertain significance for Hereditary diffuse gastric adenocarcinoma. Last evaluated: 2021-03-21. Review status: criteria provided, single submitter. Criteria: Invitae Variant Classification Sherloc (09022015). Collection method: clinical testing. Allele origin: germline.
Comment: Algorithms developed to predict the effect of missense changes on protein structure and function are either unavailable or do not agree on the potential impact of this missense change (SIFT: "Deleterious"; PolyPhen-2: "Probably Damaging"; Align-GVGD: "Class C0"). This variant has not been reported in the literature in individuals with CDH1-related disease. This variant is not present in population databases (ExAC no frequency). This sequence change replaces leucine with phenylalanine at codon 769 of the CDH1 protein (p.Leu769Phe). The leucine residue is highly conserved and there is a small physicochemical difference between leucine and phenylalanine. In summary, the available evidence is currently insufficient to determine the role of this variant in disease. Therefore, it has been classified as a Variant of Uncertain Significance.

NM_004360.5(CDH1):c.2307G>C (p.Leu769Phe)

Gene: CDH1 (cadherin 1; plus strand). Cytogenetic location: 16q22.1.
Variant type: single nucleotide variant.
Coding change: c.2307G>C on transcript NM_004360.5 (MANE Select); coding-DNA position 2307, G replaced by C.
Protein change: p.Leu769Phe; replaces leucine 769 with phenylalanine.
Molecular consequence: missense variant.
Genome position (GRCh38, 1-based): chr16:68,829,665, G>C. VCF-style: chr16-68829665-G-C. GRCh37 (hg19) VCF-style: chr16-68863568-G-C.
Other names: c.2307G>C (LRG_301t1); c.2124G>C, p.Leu708Phe (NM_001317184.2); c.759G>C, p.Leu253Phe (NM_001317185.2); c.342G>C, p.Leu114Phe (NM_001317186.2); short protein forms L114F, L769F, L708F, L253F.
Identifiers: ClinVar variation 659461 (VCV000659461.12), dbSNP rs1596972367, ClinGen allele CA396470780.